The following is an entry in ClinVar:

NM_001379610.1(SPINK1):c.235T>G (p.Cys79Gly)

Gene: SPINK1 (serine peptidase inhibitor Kazal type 1; minus strand). Cytogenetic location: 5q32.
Variant type: single nucleotide variant.
Coding change: c.235T>G on transcript NM_001379610.1 (MANE Select); coding-DNA position 235, T replaced by G.
Protein change: p.Cys79Gly; replaces cysteine 79 with glycine.
Molecular consequence: missense variant.
Genome position (GRCh38, 1-based): chr5:147,824,666, A>C on the plus strand (T>G on the coding strand, the complement: SPINK1 is on the minus strand). VCF-style: chr5-147824666-A-C. GRCh37 (hg19) VCF-style: chr5-147204229-A-C.
Other names: c.235T>G, p.Cys79Gly (NM_001354966.2, NM_003122.5); short protein forms C79G.
Identifiers: ClinVar variation 1790147 (VCV001790147.2), dbSNP rs2480192032, ClinGen allele CA361885062.

ClinVar aggregate classification (germline): Uncertain significance (1 of 4 stars; one submission).

Conditions:
Hereditary pancreatitis (PCTT). Also called: PRSS1-Related Hereditary Pancreatitis; Hereditary chronic pancreatitis. Identifiers: Orphanet 676, MedGen C0238339, MONDO:0008185, OMIM 167800.

Submission:

Ambry Genetics
Classification: Uncertain significance for Hereditary pancreatitis. Last evaluated: 2022-06-28. Review status: criteria provided, single submitter. Criteria: Ambry Variant Classification Scheme 2023. Collection method: clinical testing. Allele origin: germline.
Comment: The p.C79G variant (also known as c.235T>G), located in coding exon 4 of the SPINK1 gene, results from a T to G substitution at nucleotide position 235. The cysteine at codon 79 is replaced by glycine, an amino acid with highly dissimilar properties. This amino acid position is conserved. In addition, this alteration is predicted to be deleterious by in silico analysis. Since supporting evidence is limited at this time, the clinical significance of this alteration remains unclear.